The following is an entry in ClinVar:

NM_015192.4(PLCB1):c.121A>G (p.Ile41Val)

Gene: PLCB1 (phospholipase C beta 1; plus strand). Cytogenetic location: 20p12.3.
Variant type: single nucleotide variant.
Coding change: c.121A>G on transcript NM_015192.4 (MANE Select); coding-DNA position 121, A replaced by G.
Protein change: p.Ile41Val; replaces isoleucine 41 with valine.
Molecular consequence: missense variant.
Genome position (GRCh38, 1-based): chr20:8,150,315, A>G. VCF-style: chr20-8150315-A-G. GRCh37 (hg19) VCF-style: chr20-8130962-A-G.
Other names: c.121A>G, p.Ile41Val (NM_182734.3); short protein forms I41V.
Identifiers: ClinVar variation 538881 (VCV000538881.5), dbSNP rs191106606, ClinGen allele CA9759573.

ClinVar aggregate classification (germline): Uncertain significance (1 of 4 stars; one submission).

Conditions:
Developmental and epileptic encephalopathy, 12 (DEE12). Identifiers: MedGen C3150988, MONDO:0013389, OMIM 613722.

Allele frequency attached by ClinVar (database versions not stated): TOPMed below 0.00001; gnomAD 0.00001; gnomAD exomes 0.00001; ExAC 0.00002; 1000 Genomes Project 0.00020; 1000 Genomes Project 30x 0.00031.
gnomAD v4.1: 3 of 1,545,482 alleles (0.00019%); highest among the groups gnomAD compares: Admixed American, 0.0035%; no homozygotes.

Submission:

Labcorp Genetics (formerly Invitae), Labcorp
Classification: Uncertain significance for Developmental and epileptic encephalopathy, 12. Last evaluated: 2021-10-20. Review status: criteria provided, single submitter. Criteria: Invitae Variant Classification Sherloc (09022015). Collection method: clinical testing. Allele origin: germline.
Comment: In summary, the available evidence is currently insufficient to determine the role of this variant in disease. Therefore, it has been classified as a Variant of Uncertain Significance. Algorithms developed to predict the effect of sequence changes on RNA splicing suggest that this variant may create or strengthen a splice site. Algorithms developed to predict the effect of missense changes on protein structure and function (SIFT, PolyPhen-2, Align-GVGD) all suggest that this variant is likely to be tolerated. This variant has not been reported in the literature in individuals affected with PLCB1-related conditions. This variant is present in population databases (rs191106606, ExAC 0.02%). This sequence change replaces isoleucine with valine at codon 41 of the PLCB1 protein (p.Ile41Val). The isoleucine residue is weakly conserved and there is a small physicochemical difference between isoleucine and valine.